The following is an entry in ClinVar:

NM_000465.4(BARD1):c.140T>G (p.Leu47Arg)

Gene: BARD1 (BRCA1 associated RING domain 1; minus strand). Cytogenetic location: 2q35.
Variant type: single nucleotide variant.
Coding change: c.140T>G on transcript NM_000465.4 (MANE Select); coding-DNA position 140, T replaced by G.
Protein change: p.Leu47Arg; replaces leucine 47 with arginine.
Molecular consequence: missense variant. On other transcripts: non-coding transcript variant (3).
Genome position (GRCh38, 1-based): chr2:214,809,430, A>C on the plus strand (T>G on the coding strand, the complement: BARD1 is on the minus strand). VCF-style: chr2-214809430-A-C. GRCh37 (hg19) VCF-style: chr2-215674154-A-C.
Other names: c.140T>G, p.Leu47Arg (NM_001282543.2, NM_001282545.2, NM_001282548.2 and 1 more transcripts); short protein forms L47R.
Identifiers: ClinVar variation 819123 (VCV000819123.4), dbSNP rs1553628364, ClinGen allele CA350464822.

ClinVar aggregate classification (germline): Uncertain significance (1 of 4 stars; one submission).

Conditions:
Hereditary cancer-predisposing syndrome. Also called: Tumor predisposition; Hereditary neoplastic syndrome; Neoplastic Syndromes, Hereditary; Hereditary Cancer Syndrome. Identifiers: Orphanet 140162, MedGen C0027672, MeSH D009386, MONDO:0015356.

Submission:

Ambry Genetics
Classification: Uncertain significance for Hereditary cancer-predisposing syndrome. Last evaluated: 2018-03-30. Review status: criteria provided, single submitter. Criteria: Ambry Variant Classification Scheme 2023. Collection method: clinical testing. Allele origin: germline.
Comment: The p.L47R variant (also known as c.140T>G), located in coding exon 1 of the BARD1 gene, results from a T to G substitution at nucleotide position 140. The leucine at codon 47 is replaced by arginine, an amino acid with dissimilar properties. This amino acid position is well conserved in available vertebrate species. In addition, this alteration is predicted to be tolerated by in silico analysis. Since supporting evidence is limited at this time, the clinical significance of this alteration remains unclear.